The following is an entry in ClinVar:

ClinVar aggregate classification (germline): Pathogenic. Review status: criteria provided, multiple submitters, no conflicts (2 of 4 stars). 2 submissions from 2 submitters: Pathogenic (2). Last evaluated 2019-11-04.

Conditions:
NAA15-related syndrome.

Submissions (2):

Illumina Laboratory Services, Illumina
Classification: Pathogenic for NAA15-related syndrome. Last evaluated: 2019-11-04. Review status: criteria provided, single submitter. Criteria: ICSLVariantClassificationCriteria RUGD 01 April 2020. Collection method: clinical testing. Allele origin: unknown.
Comment: The NAA15 c.1477C>T (p.Gln493Ter) variant is a stop-gained variant that is predicted to result in a premature termination of the protein. A literature search was performed for the gene, cDNA change and amino acid change. No publications were found based on this search. This variant is not found in the Genome Aggregation Database despite good sequence coverage, so is presumed to be rare. Based on the predicted truncating nature of the variant, identification in a de novo state, and rarity in population databases, the p.Gln493Ter variant is classified pathogenic for NAA15-related syndrome.

GeneDx
Classification: Pathogenic. Last evaluated: 2018-10-15. Review status: criteria provided, single submitter. Criteria: GeneDx Variant Classification (06012015). Collection method: clinical testing. Allele origin: germline. Affected: yes.
Comment: The Q493X nonsense variant in the NAA15 gene is predicted to cause loss of normal protein function either through protein truncation or nonsense-mediated mRNA decay. This variant is not observed in large population cohorts (Lek et al., 2016). Although this pathogenic variant has not been reported previously to our knowledge, its presence is consistent with the diagnosis of a NAA15-related disorder in this individual.

NM_057175.5(NAA15):c.1477C>T (p.Gln493Ter)

Gene: NAA15 (N-alpha-acetyltransferase 15, NatA auxiliary subunit; plus strand). Cytogenetic location: 4q31.1.
Variant type: single nucleotide variant.
Coding change: c.1477C>T on transcript NM_057175.5 (MANE Select); coding-DNA position 1477, C replaced by T.
Protein change: p.Gln493Ter; replaces glutamine 493 with a stop codon.
Molecular consequence: nonsense.
Genome position (GRCh38, 1-based): chr4:139,360,566, C>T. VCF-style: chr4-139360566-C-T. GRCh37 (hg19) VCF-style: chr4-140281720-C-T.
Other names: short protein forms Q493*.
Identifiers: ClinVar variation 620403 (VCV000620403.5), dbSNP rs1560973974, ClinGen allele CA358267782.